The following is an entry in ClinVar:

NM_000153.4(GALC):c.1815dup (p.Arg606fs)

Gene: GALC (galactosylceramidase; minus strand). Cytogenetic location: 14q31.3.
Variant type: Duplication.
Coding change: c.1815dup on transcript NM_000153.4 (MANE Select); coding-DNA position 1815, one base duplicated (C; older notation c.1815dupC).
Protein change: p.Arg606fs; shifts the reading frame from arginine 606.
Molecular consequence: frameshift variant.
Genome position (GRCh38, 1-based): chr14:87,941,414, G duplicated on the plus strand (C on the coding strand, the reverse complement: GALC is on the minus strand). VCF-style (leftmost placement, unchanged base first): chr14-87941413-T-TG. GRCh37 (hg19) VCF-style: chr14-88407757-T-TG.
Other names: c.1746dup, p.Arg583fs (NM_001201401.2); c.1737dup, p.Arg580fs (NM_001201402.2); short protein forms R583fs, R580fs, R606fs.
Identifiers: ClinVar variation 1364954 (VCV001364954.6), dbSNP rs2139941246, ClinGen allele CA2573150289.
Genomic context (GRCh38, chr14:87,941,413, plus strand): 5'-CCCATAAGTCATATGCTATTAAAAAAAAAAAAAGTCAGTTACCTAAATCACCTGTAACCC[T>TG]GTAAGATCCATTTGCAAAAATCCAGAAGAAAATTCCTCTGGCACTTCTAATCAAAATACC-3'

ClinVar aggregate classification (germline): Pathogenic (1 of 4 stars; one submission).

Conditions:
Galactosylceramide beta-galactosidase deficiency. Also called: Leukodystrophy, Globoid Cell; GALACTOCEREBROSIDASE DEFICIENCY; GALC DEFICIENCY; GLOBOID CELL LEUKOENCEPHALOPATHY; Krabbe Disease. Identifiers: Orphanet 487, MedGen C0023521, MONDO:0009499, OMIM 245200.

Submission:

Labcorp Genetics (formerly Invitae), Labcorp
Classification: Pathogenic for Galactosylceramide beta-galactosidase deficiency. Last evaluated: 2023-03-08. Review status: criteria provided, single submitter. Criteria: Invitae Variant Classification Sherloc (09022015). Collection method: clinical testing. Allele origin: germline.
Comment: For these reasons, this variant has been classified as Pathogenic. ClinVar contains an entry for this variant (Variation ID: 1364954). This variant has not been reported in the literature in individuals affected with GALC-related conditions. This variant is not present in population databases (gnomAD no frequency). This sequence change creates a premature translational stop signal (p.Arg606Glnfs*5) in the GALC gene. It is expected to result in an absent or disrupted protein product. Loss-of-function variants in GALC are known to be pathogenic (PMID: 7437911, 9272171, 16607461).

Literature cited by the submitters: PubMed 7437911; PubMed 9272171; PubMed 16607461.